The following is an entry in ClinVar:

ClinVar aggregate classification (germline): Uncertain significance (1 of 4 stars; one submission).

Conditions:
Combined immunodeficiency due to LRBA deficiency. Also called: Common variable immunodeficiency 8, with autoimmunity. Identifiers: Orphanet 445018, MedGen C3553512, MONDO:0013863, OMIM 614700.

Allele frequency attached by ClinVar (database versions not stated): gnomAD 0.00001.

Submission:

Labcorp Genetics (formerly Invitae), Labcorp
Classification: Uncertain significance for Combined immunodeficiency due to LRBA deficiency. Last evaluated: 2021-08-26. Review status: criteria provided, single submitter. Criteria: Invitae Variant Classification Sherloc (09022015). Collection method: clinical testing. Allele origin: germline.
Comment: This sequence change replaces leucine with valine at codon 2147 of the LRBA protein (p.Leu2147Val). The leucine residue is moderately conserved and there is a small physicochemical difference between leucine and valine. This variant is not present in population databases (ExAC no frequency). This variant has not been reported in the literature in individuals affected with LRBA-related conditions. Algorithms developed to predict the effect of missense changes on protein structure and function are either unavailable or do not agree on the potential impact of this missense change (SIFT: "Deleterious"; PolyPhen-2: "Probably Damaging"; Align-GVGD: "Class C0"). In summary, the available evidence is currently insufficient to determine the role of this variant in disease. Therefore, it has been classified as a Variant of Uncertain Significance.

NM_001364905.1(LRBA):c.6406C>G (p.Leu2136Val)

Gene: LRBA (LPS responsive beige-like anchor protein; minus strand). Cytogenetic location: 4q31.3.
Variant type: single nucleotide variant.
Coding change: c.6406C>G on transcript NM_001364905.1 (MANE Select); coding-DNA position 6406, C replaced by G.
Protein change: p.Leu2136Val; replaces leucine 2136 with valine.
Molecular consequence: missense variant.
Genome position (GRCh38, 1-based): chr4:150,490,960, G>C on the plus strand (C>G on the coding strand, the complement: LRBA is on the minus strand). VCF-style: chr4-150490960-G-C. GRCh37 (hg19) VCF-style: chr4-151412112-G-C.
Other names: c.6406C>G, p.Leu2136Val (NM_001199282.3, NM_001367550.1); c.6439C>G, p.Leu2147Val (NM_006726.5); short protein forms L2136V, L2147V.
Identifiers: ClinVar variation 945418 (VCV000945418.7), dbSNP rs1758858183, ClinGen allele CA358607427.